The following is an entry in ClinVar:

NM_014244.5(ADAMTS2):c.832G>A (p.Val278Met)

Gene: ADAMTS2 (ADAM metallopeptidase with thrombospondin type 1 motif 2; minus strand). Cytogenetic location: 5q35.3.
Variant type: single nucleotide variant.
Coding change: c.832G>A on transcript NM_014244.5 (MANE Select); coding-DNA position 832, G replaced by A.
Protein change: p.Val278Met; replaces valine 278 with methionine.
Molecular consequence: missense variant.
Genome position (GRCh38, 1-based): chr5:179,207,572, C>T on the plus strand (G>A on the coding strand, the complement: ADAMTS2 is on the minus strand). VCF-style: chr5-179207572-C-T. GRCh37 (hg19) VCF-style: chr5-178634573-C-T.
Other names: c.832G>A, p.Val278Met (NM_021599.4); short protein forms V278M.
Identifiers: ClinVar variation 1000500 (VCV001000500.9), dbSNP rs1764731152, ClinGen allele CA362426985.

ClinVar aggregate classification (germline): Uncertain significance (1 of 4 stars; one submission).

Conditions:
Ehlers-Danlos syndrome, dermatosparaxis type. Also called: EDS VIIC; Dermatosparaxis; Ehlers-Danlos syndrome, type VII, autosomal recessive. Identifiers: Orphanet 1901, MedGen C2700425, MONDO:0009161, OMIM 225410.

Allele frequency attached by ClinVar (database versions not stated): gnomAD exomes 0.00001.
gnomAD v4.1: 9 of 1,613,724 alleles (0.00056%); highest among the groups gnomAD compares: Non-Finnish European, 0.00076%; no homozygotes.

Submission:

Labcorp Genetics (formerly Invitae), Labcorp
Classification: Uncertain significance for Ehlers-Danlos syndrome, dermatosparaxis type. Last evaluated: 2020-10-15. Review status: criteria provided, single submitter. Criteria: Invitae Variant Classification Sherloc (09022015). Collection method: clinical testing. Allele origin: germline.
Comment: This variant is not present in population databases (ExAC no frequency). In summary, the available evidence is currently insufficient to determine the role of this variant in disease. Therefore, it has been classified as a Variant of Uncertain Significance. Algorithms developed to predict the effect of missense changes on protein structure and function are either unavailable or do not agree on the potential impact of this missense change (SIFT: "Deleterious"; PolyPhen-2: "Probably Damaging"; Align-GVGD: "Class C15"). This variant has not been reported in the literature in individuals with ADAMTS2-related conditions. This sequence change replaces valine with methionine at codon 278 of the ADAMTS2 protein (p.Val278Met). The valine residue is highly conserved and there is a small physicochemical difference between valine and methionine.